The following is an entry in ClinVar:

NM_000234.3(LIG1):c.370+33G>A

Gene: LIG1 (DNA ligase 1; minus strand). Cytogenetic location: 19q13.33.
Variant type: single nucleotide variant.
Coding change: c.370+33G>A on transcript NM_000234.3 (MANE Select); 33 bases into the intron after coding-DNA position 370, G replaced by A.
Molecular consequence: intron variant.
Genome position (GRCh38, 1-based): chr19:48,156,981, C>T on the plus strand (G>A on the coding strand, the complement: LIG1 is on the minus strand). VCF-style: chr19-48156981-C-T. GRCh37 (hg19) VCF-style: chr19-48660238-C-T.
Other names: c.280+33G>A (NM_001289063.2, NM_001320971.2); c.370+33G>A (NM_001289064.2, NM_001320970.2).
Identifiers: ClinVar variation 2688482 (VCV002688482.2), dbSNP rs3730868, ClinGen allele CA9547322.
Genomic context (GRCh38, chr19:48,156,981, plus strand): 5'-AGAGCGAGACTATGTCTCAAAAAAAAAAAAAAAAAAAAAAAAGAGAAAAAGAAAGGCAGG[C>T]GACTGAAGGGGCAGGGGCCCGTGTGTTCTCACCTGTGCGACGCTTCGGAATCCCTGATGG-3'

ClinVar aggregate classification (germline): Benign (1 of 4 stars; one submission).

Allele frequency attached by ClinVar (database versions not stated): ExAC 0.13412; ESP Exome Variant Server 0.15180; TOPMed 0.16304; 1000 Genomes Project 0.16494; gnomAD 0.17213; 1000 Genomes Project 30x 0.18457.
gnomAD v4.1: 145,217 of 1,449,110 alleles (10%); highest among the groups gnomAD compares: African/African-American, 28%; 12,038 homozygotes.

Submission:

Unidad de Genómica Garrahan, Hospital de Pediatría Garrahan
Classification: Benign. Last evaluated: 2024-01-24. Review status: criteria provided, single submitter. Criteria: ACMG Guidelines, 2015. Collection method: clinical testing. Allele origin: germline. Affected: no. Observed: 21 variant alleles.
Comment: This variant is classified as Benign based on local population frequency. This variant was detected in 24% of patients studied by a panel of primary immunodeficiencies. Number of patients: 21. Only high quality variants are reported.